The following is an entry in ClinVar:

NM_013322.3(SNX10):c.172G>A (p.Val58Met)

Gene: SNX10 (sorting nexin 10; plus strand). Cytogenetic location: 7p15.2.
Variant type: single nucleotide variant.
Coding change: c.172G>A on transcript NM_013322.3 (MANE Select); coding-DNA position 172, G replaced by A.
Protein change: p.Val58Met; replaces valine 58 with methionine.
Molecular consequence: missense variant. On other transcripts: intron variant (1).
Genome position (GRCh38, 1-based): chr7:26,364,595, G>A. VCF-style: chr7-26364595-G-A. GRCh37 (hg19) VCF-style: chr7-26404215-G-A.
Other names: c.172G>A, p.Val58Met (NM_001199835.1, NM_001318199.3); c.163G>A, p.Val55Met (NM_001199837.3); c.250G>A, p.Val84Met (NM_001318198.1, NM_001362753.1, NM_001362754.1); c.-41+93G>A (NM_001199838.2); short protein forms V58M, V84M, V55M.
Identifiers: ClinVar variation 1950620 (VCV001950620.2), dbSNP rs1199471425, ClinGen allele CA367228146.

ClinVar aggregate classification (germline): Uncertain significance (1 of 4 stars; one submission).

Allele frequency attached by ClinVar (database versions not stated): gnomAD exomes 0.00001.
gnomAD v4.1: 9 of 1,613,954 alleles (0.00056%); highest among the groups gnomAD compares: Admixed American, 0.005%; no homozygotes.

Submission:

Labcorp Genetics (formerly Invitae), Labcorp
Classification: Uncertain significance. Last evaluated: 2022-08-17. Review status: criteria provided, single submitter. Criteria: Invitae Variant Classification Sherloc (09022015). Collection method: clinical testing. Allele origin: germline.
Comment: This sequence change replaces valine, which is neutral and non-polar, with methionine, which is neutral and non-polar, at codon 58 of the SNX10 protein (p.Val58Met). This variant is present in population databases (no rsID available, gnomAD 0.009%). This variant has not been reported in the literature in individuals affected with SNX10-related conditions. Algorithms developed to predict the effect of missense changes on protein structure and function are either unavailable or do not agree on the potential impact of this missense change (SIFT: "Deleterious"; PolyPhen-2: "Probably Damaging"; Align-GVGD: "Class C0"). In summary, the available evidence is currently insufficient to determine the role of this variant in disease. Therefore, it has been classified as a Variant of Uncertain Significance.